The following is an entry in ClinVar:

NM_004972.4(JAK2):c.1004G>T (p.Gly335Val)

Genes: INSL6 (insulin like 6; minus strand), JAK2 (Janus kinase 2; plus strand). Cytogenetic location: 9p24.1.
Variant type: single nucleotide variant.
Coding change: c.1004G>T on transcript NM_004972.4 (MANE Select); coding-DNA position 1004, G replaced by T.
Protein change: p.Gly335Val; replaces glycine 335 with valine.
Molecular consequence: missense variant. On other transcripts: 5 prime UTR variant (2), non-coding transcript variant (2).
Genome position (GRCh38, 1-based): chr9:5,055,736, G>T. VCF-style: chr9-5055736-G-T. GRCh37 (hg19) VCF-style: chr9-5055736-G-T.
Other names: c.1004G>T, p.Gly335Val (NM_001322194.2, NM_001322195.2, NM_001322196.2); c.-212G>T (NM_001322198.2, NM_001322199.2); c.557G>T, p.Gly186Val (NM_001322204.2); short protein forms G186V, G335V.
Identifiers: ClinVar variation 4690389 (VCV004690389.1).
Genomic context (GRCh38, chr9:5,055,736, plus strand): 5'-AGTTATATTGCGATTTTCCTAATATTATTGATGTCAGTATTAAGCAAGCAAACCAAGAGG[G>T]TTCAAATGAAAGCCGAGTTGTAACTATCCATAAGCAAGATGGTAAAAATCTGGTAAGTTT-3'
Protein context (NP_004963.1, residues 325-345): DVSIKQANQE[Gly335Val]SNESRVVTIH

ClinVar aggregate classification (germline): Uncertain significance (1 of 4 stars; one submission).

gnomAD v4.1: 6 of 1,609,982 alleles (0.00037%); highest among the groups gnomAD compares: South Asian, 0.0066%; no homozygotes.

Submission:

Labcorp Genetics (formerly Invitae), Labcorp
Classification: Uncertain significance. Last evaluated: 2025-04-17. Review status: criteria provided, single submitter. Criteria: Invitae Variant Classification Sherloc (09022015). Collection method: clinical testing. Allele origin: germline.
Comment: This sequence change replaces glycine, which is neutral and non-polar, with valine, which is neutral and non-polar, at codon 335 of the JAK2 protein (p.Gly335Val). This variant is present in population databases (rs748854741, gnomAD 0.007%). This variant has not been reported in the literature in individuals affected with JAK2-related conditions. An algorithm developed to predict the effect of missense changes on protein structure and function outputs the following: PolyPhen-2: "Benign". The valine amino acid residue is found in multiple mammalian species, which suggests that this missense change does not adversely affect protein function. In summary, the available evidence is currently insufficient to determine the role of this variant in disease. Therefore, it has been classified as a Variant of Uncertain Significance.